The following is an entry in ClinVar:

ClinVar aggregate classification (germline): Uncertain significance (1 of 4 stars; one submission).

Submission:

Labcorp Genetics (formerly Invitae), Labcorp
Classification: Uncertain significance. Last evaluated: 2023-09-19. Review status: criteria provided, single submitter. Criteria: Invitae Variant Classification Sherloc (09022015). Collection method: clinical testing. Allele origin: germline.
Comment: An algorithm developed to predict the effect of missense changes on protein structure and function (PolyPhen-2) suggests that this variant is likely to be disruptive. In summary, the available evidence is currently insufficient to determine the role of this variant in disease. Therefore, it has been classified as a Variant of Uncertain Significance. This variant has not been reported in the literature in individuals affected with SPPL2A-related conditions. This variant is not present in population databases (gnomAD no frequency). This sequence change replaces leucine, which is neutral and non-polar, with valine, which is neutral and non-polar, at codon 465 of the SPPL2A protein (p.Leu465Val).

NM_032802.4(SPPL2A):c.1393C>G (p.Leu465Val)

Gene: SPPL2A (signal peptide peptidase like 2A; minus strand). Cytogenetic location: 15q21.2.
Variant type: single nucleotide variant.
Coding change: c.1393C>G on transcript NM_032802.4 (MANE Select); coding-DNA position 1393, C replaced by G.
Protein change: p.Leu465Val; replaces leucine 465 with valine.
Molecular consequence: missense variant.
Genome position (GRCh38, 1-based): chr15:50,720,035, G>C on the plus strand (C>G on the coding strand, the complement: SPPL2A is on the minus strand). VCF-style: chr15-50720035-G-C. GRCh37 (hg19) VCF-style: chr15-51012232-G-C.
Other names: short protein forms L465V.
Identifiers: ClinVar variation 2857421 (VCV002857421.3), dbSNP rs2542797540, ClinGen allele CA392407444.